The following is an entry in ClinVar:

ClinVar aggregate classification (germline): Uncertain significance (1 of 4 stars; one submission).

Conditions:
Hereditary hemorrhagic telangiectasia (HHT). Also called: ORW DISEASE; Osler Weber Rendu syndrome; OSLER-RENDU-WEBER DISEASE; Osler hemorrhagic telangiectasia syndrome. Identifiers: Orphanet 774, MedGen C0039445, MONDO:0019180. Disease mechanism: loss of function.

Allele frequency attached by ClinVar (database versions not stated): gnomAD exomes below 0.00001 and 0.00001; ExAC 0.00002.
gnomAD v4.1: 4 of 1,613,950 alleles (0.00025%); highest among the groups gnomAD compares: Middle Eastern, 0.033%; no homozygotes.

Submission:

Labcorp Genetics (formerly Invitae), Labcorp
Classification: Uncertain significance for Hereditary hemorrhagic telangiectasia. Last evaluated: 2024-11-04. Review status: criteria provided, single submitter. Criteria: Invitae Variant Classification Sherloc (09022015). Collection method: clinical testing. Allele origin: germline.
Comment: This sequence change affects codon 438 of the ENG mRNA. It is a 'silent' change, meaning that it does not change the encoded amino acid sequence of the ENG protein. This variant is present in population databases (rs750412250, gnomAD 0.006%). This variant has not been reported in the literature in individuals affected with ENG-related conditions. ClinVar contains an entry for this variant (Variation ID: 1489331). Algorithms developed to predict the effect of sequence changes on RNA splicing suggest that this variant may create or strengthen a splice site. In summary, the available evidence is currently insufficient to determine the role of this variant in disease. Therefore, it has been classified as a Variant of Uncertain Significance.

NM_001114753.3(ENG):c.1314A>G (p.Lys438=)

Genes: ENG (endoglin; minus strand), LOC102723566 (uncharacterized LOC102723566; plus strand). Cytogenetic location: 9q34.11.
Variant type: single nucleotide variant.
Coding change: c.1314A>G on transcript NM_001114753.3 (MANE Select); coding-DNA position 1314, A replaced by G.
Protein change: p.Lys438=; no amino-acid change (lysine 438 retained).
Molecular consequence: synonymous variant.
Genome position (GRCh38, 1-based): chr9:127,818,830, T>C on the plus strand (A>G on the coding strand, the complement: ENG is on the minus strand). VCF-style: chr9-127818830-T-C. GRCh37 (hg19) VCF-style: chr9-130581109-T-C.
Other names: c.1314A>G, p.Lys438= (NM_000118.4); c.768A>G, p.Lys256= (NM_001278138.2).
Identifiers: ClinVar variation 1489331 (VCV001489331.9), dbSNP rs750412250, ClinGen allele CA5252801.